The following is an entry in ClinVar:

NM_000211.5(ITGB2):c.2051_2055dup (p.Leu686fs)

Gene: ITGB2 (integrin subunit beta 2; minus strand). Cytogenetic location: 21q22.3.
Variant type: Duplication.
Coding change: c.2051_2055dup on transcript NM_000211.5 (MANE Select); coding-DNA positions 2051 to 2055, 5 bases duplicated (GCTAC; older notation c.2051_2055dupGCTAC).
Protein change: p.Leu686fs; shifts the reading frame from leucine 686.
Molecular consequence: frameshift variant.
Genome position (GRCh38, 1-based): chr21:44,888,718-44,888,722, GTAGC duplicated on the plus strand (GCTAC on the coding strand, the reverse complement: ITGB2 is on the minus strand); duplicating any 5 consecutive bases within chr21:44,888,718-44,888,723 gives the same sequence; the c. name uses the placement nearest the transcript's 3' end. VCF-style (leftmost placement, unchanged base first): chr21-44888717-G-GGTAGC. GRCh37 (hg19) VCF-style: chr21-46308632-G-GGTAGC.
Other names: c.2051_2055dup, p.Leu686fs (NM_001127491.3); c.1844_1848dup, p.Leu617fs (NM_001303238.2); short protein forms L686fs, L617fs.
Identifiers: ClinVar variation 834432 (VCV000834432.8), dbSNP rs2083735130, ClinGen allele CA916082481.

ClinVar aggregate classification (germline): Pathogenic (1 of 4 stars; one submission).

Conditions:
Leukocyte adhesion deficiency 1 (LAD1). Also called: LEUKOCYTE ADHESION DEFICIENCY, TYPE I; LAD 1; Lymphocyte function-associated antigen 1 immunodeficiency; LFA 1 immunodeficiency. Identifiers: Orphanet 2968, Orphanet 99842, MedGen C0398738, MONDO:0007293, OMIM 116920.

Submission:

Labcorp Genetics (formerly Invitae), Labcorp
Classification: Pathogenic for Leukocyte adhesion deficiency 1. Last evaluated: 2019-03-25. Review status: criteria provided, single submitter. Criteria: Invitae Variant Classification Sherloc (09022015). Collection method: clinical testing. Allele origin: germline.
Comment: This sequence change creates a premature translational stop signal (p.Leu686Alafs*31) in the ITGB2 gene. It is expected to result in an absent or disrupted protein product. This variant is not present in population databases (ExAC no frequency). This variant has not been reported in the literature in individuals with ITGB2-related conditions. Loss-of-function variants in ITGB2 are known to be pathogenic (PMID: 22134107, 25703682). For these reasons, this variant has been classified as Pathogenic.

Literature cited by the submitters: PubMed 22134107; PubMed 25703682.